The following is an entry in ClinVar:

ClinVar aggregate classification (germline): Conflicting classifications of pathogenicity. Review status: criteria provided, conflicting classifications (1 of 4 stars). 3 submissions from 3 submitters: Uncertain significance (1); Likely benign (1). 1 of the submissions does not count toward it. Last evaluated 2026-02-02.

Conditions:
CTC1-related disorder. Also called: CTC1-related condition.
Dyskeratosis congenita. Identifiers: Orphanet 1775, MedGen C0265965, MONDO:0015780.

Allele frequency attached by ClinVar (database versions not stated): ESP Exome Variant Server 0.00008; gnomAD exomes 0.00008 and 0.00032; gnomAD 0.00019 and 0.00022; TOPMed 0.00023; ExAC 0.00032; 1000 Genomes Project 30x 0.00062; 1000 Genomes Project 0.00080.
gnomAD v4.1: 169 of 1,614,048 alleles (0.01%); highest among the groups gnomAD compares: East Asian, 0.29%; no homozygotes.

Submissions (4):

Labcorp Genetics (formerly Invitae), Labcorp
Classification: Likely benign for Dyskeratosis congenita. Last evaluated: 2026-02-02. Review status: criteria provided, single submitter. Criteria: Invitae Variant Classification Sherloc (09022015). Collection method: clinical testing. Allele origin: germline.

Blueprint Genetics
Classification: Uncertain significance. Last evaluated: 2024-11-06. Review status: criteria provided, single submitter. Criteria: ACMG Guidelines, 2015. Collection method: clinical testing. Allele origin: germline.

PreventionGenetics, part of Exact Sciences
Classification: Likely benign for CTC1-related condition. Last evaluated: 2022-09-10. Review status: no assertion criteria provided. Collection method: clinical testing. Allele origin: germline. Not counted in ClinVar's aggregate classification.
Comment: This variant is classified as likely benign based on ACMG/AMP sequence variant interpretation guidelines (Richards et al. 2015 PMID: 25741868, with internal and published modifications).

Dr. Peter K. Rogan Lab, Western University
No classification provided (evidence only). Condition: Thyroid cancer, nonmedullary, 1. Review status: no classification provided. Collection method: in vitro. Allele origin: not applicable. Functional consequence: retained intron. Not counted in ClinVar's aggregate classification.

NM_025099.6(CTC1):c.3074C>T (p.Ala1025Val)

Gene: CTC1 (CST telomere replication complex component 1; minus strand). Cytogenetic location: 17p13.1.
Variant type: single nucleotide variant.
Coding change: c.3074C>T on transcript NM_025099.6 (MANE Select); coding-DNA position 3074, C replaced by T.
Protein change: p.Ala1025Val; replaces alanine 1025 with valine.
Molecular consequence: missense variant. On other transcripts: non-coding transcript variant (1).
Genome position (GRCh38, 1-based): chr17:8,229,384, G>A on the plus strand (C>T on the coding strand, the complement: CTC1 is on the minus strand). VCF-style: chr17-8229384-G-A. GRCh37 (hg19) VCF-style: chr17-8132702-G-A.
Other names: short protein forms A1025V.
Identifiers: ClinVar variation 698808 (VCV000698808.14), dbSNP rs183966301, ClinGen allele CA8371889.